The following is an entry in ClinVar:

ClinVar aggregate classification (germline): Uncertain significance. Review status: criteria provided, multiple submitters, no conflicts (2 of 4 stars). 6 submissions from 6 submitters: Uncertain significance (5). 1 of the submissions does not count toward it. Last evaluated 2024-12-19.

Conditions:
TALDO1-related disorder. Also called: TALDO1-related condition.
Deficiency of transaldolase. Also called: EYAID SYNDROME. Identifiers: Orphanet 101028, MedGen C1291329, MONDO:0011624, OMIM 606003.

Allele frequency attached by ClinVar (database versions not stated): gnomAD 0.00051; TOPMed 0.00051; 1000 Genomes Project 0.00060; 1000 Genomes Project 30x 0.00078; ESP Exome Variant Server 0.00085.
gnomAD v4.1: 334 of 1,614,014 alleles (0.021%); highest among the groups gnomAD compares: Middle Eastern, 0.35%; 3 homozygotes.

Submissions (9):

Labcorp Genetics (formerly Invitae), Labcorp
Classification: Uncertain significance. Last evaluated: 2024-12-19. Review status: criteria provided, single submitter. Criteria: Invitae Variant Classification Sherloc (09022015). Collection method: clinical testing. Allele origin: germline.
Comment: This sequence change replaces leucine, which is neutral and non-polar, with valine, which is neutral and non-polar, at codon 61 of the TALDO1 protein (p.Leu61Val). This variant is present in population databases (rs149640294, gnomAD 0.2%). This variant has not been reported in the literature in individuals affected with TALDO1-related conditions. ClinVar contains an entry for this variant (Variation ID: 306127). Invitae Evidence Modeling of protein sequence and biophysical properties (such as structural, functional, and spatial information, amino acid conservation, physicochemical variation, residue mobility, and thermodynamic stability) indicates that this missense variant is not expected to disrupt TALDO1 protein function with a negative predictive value of 80%. In summary, the available evidence is currently insufficient to determine the role of this variant in disease. Therefore, it has been classified as a Variant of Uncertain Significance.

Baylor Genetics
Classification: Uncertain significance for Deficiency of transaldolase. Last evaluated: 2019-09-06. Review status: criteria provided, single submitter. Criteria: ACMG Guidelines, 2015. Collection method: clinical testing. Allele origin: unknown. Affected: yes.
Comment: This variant was determined to be of uncertain significance according to ACMG Guidelines, 2015 [PMID:25741868].

Illumina Laboratory Services, Illumina
Classification: Uncertain significance for Deficiency of transaldolase. Last evaluated: 2018-01-13. Review status: criteria provided, single submitter. Criteria: ICSL Variant Classification Criteria 13 December 2019. Collection method: clinical testing. Allele origin: germline.

CeGaT Center for Human Genetics Tuebingen
Classification: Uncertain significance. Last evaluated: 2017-08-01. Review status: criteria provided, single submitter. Criteria: CeGaT Center For Human Genetics Tuebingen Variant Classification Criteria Version 2. Collection method: clinical testing. Allele origin: germline. Affected: yes. Observed: 1 variant allele.

Breakthrough Genomics
Classification: Uncertain significance. Review status: criteria provided, single submitter. Criteria: ACMG Guidelines, 2015. Collection method: not provided. Allele origin: germline. Inheritance: Autosomal recessive inheritance. Affected: yes.

PreventionGenetics, part of Exact Sciences
Classification: Likely benign for TALDO1-related condition. Last evaluated: 2022-03-15. Review status: no assertion criteria provided. Collection method: clinical testing. Allele origin: germline. Not counted in ClinVar's aggregate classification.
Comment: This variant is classified as likely benign based on ACMG/AMP sequence variant interpretation guidelines (Richards et al. 2015 PMID: 25741868, with internal and published modifications).

Dr. Peter K. Rogan Lab, Western University
No classification provided (evidence only). Condition: Familial cancer of breast. Review status: no classification provided. Collection method: in vitro. Allele origin: not applicable. Functional consequence: retained intron. Not counted in ClinVar's aggregate classification.

Dr. Peter K. Rogan Lab, Western University
No classification provided (evidence only). Condition: Hepatocellular carcinoma. Review status: no classification provided. Collection method: in vitro. Allele origin: not applicable. Functional consequence: skipped exon. Not counted in ClinVar's aggregate classification.

Dr. Peter K. Rogan Lab, Western University
No classification provided (evidence only). Condition: Ovarian serous cystadenocarcinoma. Review status: no classification provided. Collection method: in vitro. Allele origin: not applicable. Functional consequence: retained intron. Not counted in ClinVar's aggregate classification.

NM_006755.2(TALDO1):c.181C>G (p.Leu61Val)

Gene: TALDO1 (transaldolase 1; plus strand). Cytogenetic location: 11p15.5.
Variant type: single nucleotide variant.
Coding change: c.181C>G on transcript NM_006755.2 (MANE Select); coding-DNA position 181, C replaced by G.
Protein change: p.Leu61Val; replaces leucine 61 with valine.
Molecular consequence: missense variant.
Genome position (GRCh38, 1-based): chr11:755,962, C>G. VCF-style: chr11-755962-C-G. GRCh37 (hg19) VCF-style: chr11-755962-C-G.
Other names: short protein forms L61V.
Identifiers: ClinVar variation 306127 (VCV000306127.53), dbSNP rs149640294, ClinGen allele CA5788031.
Genomic context (GRCh38, chr11:755,962, plus strand): 5'-GATGCTACCACCAACCCGTCCCTGATCCTGGCCGCAGCACAGATGCCCGCTTACCAGGAG[C>G]TGGTGGAGGAGGCGATTGCCTATGGCCGGAAGCTGGGCGGGTGAGTGCCTGGACTCGGGA-3'
Protein context (NP_006746.1, residues 51-71): AAAQMPAYQE[Leu61Val]VEEAIAYGRK